The following is an entry in ClinVar:

NM_001368894.2(PAX6):c.399C>A (p.Ser133Arg)

Gene: PAX6 (paired box 6; minus strand). Cytogenetic location: 11p13.
Variant type: single nucleotide variant.
Coding change: c.399C>A on transcript NM_001368894.2 (MANE Select); coding-DNA position 399, C replaced by A.
Protein change: p.Ser133Arg; replaces serine 133 with arginine.
Molecular consequence: missense variant. On other transcripts: 5 prime UTR variant (14), intron variant (8), non-coding transcript variant (2).
Genome position (GRCh38, 1-based): chr11:31,801,561, G>T on the plus strand (C>A on the coding strand, the complement: PAX6 is on the minus strand). VCF-style: chr11-31801561-G-T. GRCh37 (hg19) VCF-style: chr11-31823109-G-T.
Other names: c.357C>A, p.Ser119Arg (NM_000280.6, NM_001127612.3, NM_001258464.2 and 10 more transcripts); c.399C>A, p.Ser133Arg (NM_001258462.3, NM_001258463.2, NM_001310158.2 and 6 more transcripts); c.-383C>A (NM_001310160.2, NM_001368905.2, NM_001368902.2); c.-52C>A (NM_001310161.3, NM_001368904.2, NM_001368906.2 and 8 more transcripts); c.600C>A, p.Ser200Arg (NM_001368910.2); c.402C>A, p.Ser134Arg (NM_001368911.2); c.198+201C>A (NM_001368923.2, NM_001368926.2, NM_001368927.2 and 4 more transcripts); c.156+201C>A (NM_001368928.2); and 3 more; short protein forms S119R, S133R, S134R, S144R, S158R, S200R.
Identifiers: ClinVar variation 3481 (VCV000003481.18), dbSNP rs121907928, ClinGen allele CA252805.

ClinVar aggregate classification (germline): Pathogenic/Likely pathogenic. Review status: criteria provided, multiple submitters, no conflicts (2 of 4 stars). 3 submissions from 3 submitters: Pathogenic (1); Likely pathogenic (1). 1 of the submissions does not count toward it. Last evaluated 2025-02-01.

Conditions:
Aniridia 1 (AN1). Identifiers: Orphanet 250923, MedGen C0344542, MONDO:0024507, OMIM 106210.

gnomAD v4.1: 1 of 1,614,162 alleles (0.000062%); highest among the groups gnomAD compares: Non-Finnish European, 0.000085%; no homozygotes.

Submissions (3):

CeGaT Center for Human Genetics Tuebingen
Classification: Pathogenic. Last evaluated: 2025-02-01. Review status: criteria provided, single submitter. Criteria: CeGaT Center For Human Genetics Tuebingen Variant Classification Criteria Version 2. Collection method: clinical testing. Allele origin: germline. Affected: yes. Observed: 1 variant allele.
Comment: PAX6: PS1, PM2, PM5, PP3, PS3:Supporting, PS4:Supporting

GeneDx
Classification: Likely pathogenic. Last evaluated: 2023-01-20. Review status: criteria provided, single submitter. Criteria: GeneDx Variant Classification Process June 2021. Collection method: clinical testing. Allele origin: germline. Affected: yes.
Comment: Published functional studies demonstrate a damaging effect with reduced DNA binding affinity (Barrera et al., 2016); Not observed at significant frequency in large population cohorts (gnomAD); In silico analysis supports that this missense variant has a deleterious effect on protein structure/function; Located in the paired domain; This variant is associated with the following publications: (PMID: 28321846, 12552561, 17595013, 16712695, 29780932, 17679951, 18322702, 19898691, 22025896, 20132240, 27013732, Vasilyeva2019[abstract], 33782094, 34500082, 33594928, 11553050)

OMIM
Classification: Pathogenic for ANIRIDIA. Last evaluated: 2001-08-01. Review status: no assertion criteria provided. Collection method: literature only. Allele origin: germline. Not counted in ClinVar's aggregate classification.

Literature cited by the submitters: PubMed 11553050 (cited by OMIM).